The following is an entry in ClinVar:

ClinVar aggregate classification (germline): Uncertain significance (1 of 4 stars; one submission).

Conditions:
Achondrogenesis, type IA (ACG1A). Identifiers: Orphanet 932, Orphanet 93299, MedGen C0265273, MONDO:0008701, OMIM 200600.

Submission:

Labcorp Genetics (formerly Invitae), Labcorp
Classification: Uncertain significance for Achondrogenesis, type IA. Last evaluated: 2024-05-17. Review status: criteria provided, single submitter. Criteria: Invitae Variant Classification Sherloc (09022015). Collection method: clinical testing. Allele origin: germline.
Comment: This variant, c.5747_5749dup, results in the insertion of 1 amino acid(s) of the TRIP11 protein (p.Arg1916dup), but otherwise preserves the integrity of the reading frame. This variant is not present in population databases (gnomAD no frequency). This variant has not been reported in the literature in individuals affected with TRIP11-related conditions. Experimental studies and prediction algorithms are not available or were not evaluated, and the functional significance of this variant is currently unknown. In summary, the available evidence is currently insufficient to determine the role of this variant in disease. Therefore, it has been classified as a Variant of Uncertain Significance.

NM_004239.4(TRIP11):c.5744GAA[3] (p.Arg1916_Thr1917insArg)

Gene: TRIP11 (thyroid hormone receptor interactor 11; minus strand). Cytogenetic location: 14q32.12.
Variant type: Microsatellite.
Coding change: c.5744GAA[3] on transcript NM_004239.4 (MANE Select); three copies in a row of the 3-base unit GAA starting at c.5744; the reference has two copies in a row; one copy, 3 bases duplicated.
Protein change: p.Arg1916_Thr1917insArg.
Molecular consequence: inframe insertion.
Genome position (GRCh38, 1-based): chr14:91,969,864-91,969,866, TTC duplicated on the plus strand (GAA on the coding strand, the reverse complement: TRIP11 is on the minus strand); duplicating any 3 consecutive bases within chr14:91,969,864-91,969,870 gives the same sequence; the position shown is the placement nearest the transcript's 3' end. VCF-style (leftmost placement, unchanged base first): chr14-91969863-G-GTTC. GRCh37 (hg19) VCF-style: chr14-92436207-G-GTTC.
Other names: c.5741GAA[3], p.Arg1915_Thr1916insArg (NM_001321851.1).
Identifiers: ClinVar variation 2748881 (VCV002748881.3), dbSNP rs1566840867, ClinGen allele CA2697554134.